The following continues an entry in ClinVar:

NM_007194.4(CHEK2):c.1263del (p.Ser422fs)

Gene: CHEK2. ClinVar aggregate classification (germline): Pathogenic/Likely pathogenic. Pathogenic (28); Likely pathogenic (1).

Submissions 28 to 33 of 33:

Academic Department of Medical Genetics, University of Cambridge
Classification: Pathogenic for Hereditary cancer-predisposing syndrome. Last evaluated: 2018-01-26. Review status: criteria provided, single submitter. Criteria: ACMG Guidelines, 2015. Collection method: research. Allele origin: germline. Affected: yes. Observed: 3 heterozygotes. Clinical features observed: Renal cell carcinoma, papillary, 1 (HP:0005584), Neoplasm of the thymus (HP:0100521), Breast carcinoma (HP:0003002), Multiple myeloma (HP:0006775).
Comment: Application of AMCG guidelines 2015. Used other ClinVar submission evidence where relevant. Loss of heterozygosity in tumours or immunohistochemistry abnormalities considered functional evidence of pathogenicity.

Identified as part of research study of individuals with multiple primary tumours referred for genetic assessment

Women's Health and Genetics/Laboratory Corporation of America, LabCorp
Classification: Pathogenic for Hereditary breast ovarian cancer syndrome. Last evaluated: 2017-01-26. Review status: criteria provided, single submitter. Criteria: LabCorp Variant Classification Summary - May 2015. Collection method: clinical testing. Allele origin: germline.
Comment: Variant summary: The CHEK2 c.1263delT (p.Ser422Valfs) variant results in a premature termination codon, predicted to cause a truncated or absent CHEK2 protein due to nonsense mediated decay (NMD), which are commonly known mechanisms for disease. If NMD is escaped, this variant is expected to truncate protein kinase domain. Truncations downstream of this position have been classified as pathogenic/likely pathogenic by our laboratory and others (e.g. p.Arg519X, c.1434delA, etc.). This variant was found in 6/117456 control chromosomes at a frequency of 0.0000511, which does not exceed the estimated maximal expected allele frequency of a pathogenic CHEK2 variant (0.0003125). This variant has been reported in multiple cancer patients including breast and prostate cancer and is classified as pathogenic in literature and by multiple clinical diagnostic laboratories/reputable databases. Taken together, this variant is classified as Pathogenic.

True Health Diagnostics
Classification: Pathogenic for Hereditary cancer-predisposing syndrome. Last evaluated: 2018-01-12. Review status: no assertion criteria provided. Collection method: clinical testing. Allele origin: germline. Not counted in ClinVar's aggregate classification.

Counsyl
Classification: Pathogenic for Familial cancer of breast. Last evaluated: 2016-07-05. Review status: no assertion criteria provided. Collection method: clinical testing. Allele origin: unknown. Not counted in ClinVar's aggregate classification.

Department of Pathology and Laboratory Medicine, Sinai Health System
Classification: Pathogenic. Review status: no assertion criteria provided. Collection method: clinical testing. Allele origin: unknown. Affected: yes. Study: The Canadian Open Genetics Repository (COGR). Not counted in ClinVar's aggregate classification.
Comment: The CHEK2 p.Ser422ValfsX15 variant was identified in 22 of 115016 proband chromosomes (frequency: 0.0002) from individuals or families with breast, prostate, and other types of cancer (Byers 2016, Calvez-Kelm 2011, Leedom 2016, Leongamornlert 2014, Mauer 2014, Susswein 2016). The variant was also identified in the following databases: dbSNP (ID: rs587780174) as "With Pathogenic allele", ClinVar (4x pathogenic), and Clinvitae (3x pathogenic). The variant was not identified in Cosmic, MutDB, or the Zhejiang Colon Cancer Database. The variant was also not identified in the control databases: the 1000 Genomes Project, the NHLBI GO Exome Sequencing Project, the Exome Aggregation Consortium (August 8th 2016), or the Genome Aggregation Database (Feb 27, 2017). In a study by Leongamornlert (2014), this variant was found to segregate with 2 of 3 affected family members with prostate cancer. The c.1263delT variant is predicted to cause a frameshift, which alters the protein's amino acid sequence beginning at codon 422 and leads to a premature stop codon 15 codons downstream. This alteration is then predicted to result in a truncated or absent protein and loss of function. Loss of function variants of the CHEK2 gene are an established mechanism of disease and is the type of variant expected to cause the disorder. In summary, based on the above information this variant meets our laboratoryâ€šÃ„Ã´s criteria to be classified as pathogenic.

Genomics England Pilot Project, Genomics England
Classification: Likely pathogenic for Familial prostate cancer. Review status: no assertion criteria provided. Criteria: ACGS Guidelines, 2016. Collection method: clinical testing. Allele origin: germline. Affected: yes. Not counted in ClinVar's aggregate classification.

Literature cited by the submitters: PubMed 21876083 (cited by 3 submitters); PubMed 24713400 (cited by Labcorp Genetics (formerly Invitae), Labcorp and Sema4); PubMed 21244692 (cited by 9 submitters); PubMed 24113346 (cited by 5 submitters); PubMed 24556621 (cited by 9 submitters); PubMed 26681312 (cited by 8 submitters); PubMed 26534844 (cited by 4 submitters); PubMed 27273131 (cited by 4 submitters); PubMed 33471991 (cited by 3 submitters); PubMed 33803639 (cited by Color Diagnostics, LLC DBA Color Health); PubMed 27751358 (cited by 3 submitters); PubMed 30676620 (cited by Ambry Genetics); PubMed 32830346 (cited by Ambry Genetics); PubMed 32832836 (cited by Ambry Genetics); PubMed 32885271 (cited by Ambry Genetics); PubMed 15492928 (cited by Institute for Genomic Medicine (IGM) Clinical Laboratory, Nationwide Children's Hospital); PubMed 24763289 (cited by Quest Diagnostics Nichols Institute San Juan Capistrano and Women's Health and Genetics/Laboratory Corporation of America, LabCorp).